The following is an entry in ClinVar:

NM_002547.3(OPHN1):c.2056C>T (p.Pro686Ser)

Gene: OPHN1 (oligophrenin 1; minus strand). Cytogenetic location: Xq12.
Variant type: single nucleotide variant.
Coding change: c.2056C>T on transcript NM_002547.3 (MANE Select); coding-DNA position 2056, C replaced by T.
Protein change: p.Pro686Ser; replaces proline 686 with serine.
Molecular consequence: missense variant.
Genome position (GRCh38, 1-based): chrX:68,063,956, G>A on the plus strand (C>T on the coding strand, the complement: OPHN1 is on the minus strand). VCF-style: chrX-68063956-G-A. GRCh37 (hg19) VCF-style: chrX-67283798-G-A.
Other names: short protein forms P686S.
Identifiers: ClinVar variation 195589 (VCV000195589.28), dbSNP rs139691746, ClinGen allele CA201839.

ClinVar aggregate classification (germline): Benign/Likely benign. Review status: criteria provided, multiple submitters, no conflicts (2 of 4 stars). 11 submissions from 11 submitters: Benign (5); Likely benign (4). 2 of the submissions do not count toward it. Last evaluated 2026-02-03.

Conditions:
Inborn genetic diseases. Identifiers: MedGen C0950123, MeSH D030342.
Intellectual developmental disorder, X-linked, syndromic, Billuart type. Also called: MENTAL RETARDATION, X-LINKED 60; X-linked intellectual disability-cerebellar hypoplasia syndrome. Identifiers: Orphanet 137831, MedGen C1845366, MONDO:0010337, OMIM 300486.

Allele frequency attached by ClinVar (database versions not stated): gnomAD exomes 0.00050; ExAC 0.00057; 1000 Genomes Project 0.00106; 1000 Genomes Project 30x 0.00166; gnomAD 0.00186 and 0.00214; TOPMed 0.00244; ESP Exome Variant Server 0.00312.
gnomAD v4.1: 411 of 1,206,509 alleles (0.034%); highest among the groups gnomAD compares: African/African-American, 0.62%; no homozygotes.

Submissions (11):

Labcorp Genetics (formerly Invitae), Labcorp
Classification: Benign. Last evaluated: 2026-02-03. Review status: criteria provided, single submitter. Criteria: Invitae Variant Classification Sherloc (09022015). Collection method: clinical testing. Allele origin: germline.

Blueprint Genetics
Classification: Likely benign. Last evaluated: 2024-08-06. Review status: criteria provided, single submitter. Criteria: ACMG Guidelines, 2015. Collection method: clinical testing. Allele origin: germline.

Fulgent Genetics
Classification: Likely benign for Intellectual developmental disorder, X-linked, syndromic, Billuart type. Last evaluated: 2021-09-22. Review status: criteria provided, single submitter. Criteria: ACMG Guidelines, 2015. Collection method: clinical testing. Allele origin: unknown.

Athena Diagnostics
Classification: Benign. Last evaluated: 2018-11-21. Review status: criteria provided, single submitter. Criteria: Athena Diagnostics Criteria. Collection method: clinical testing. Allele origin: germline.

Ambry Genetics
Classification: Benign for Inborn genetic diseases. Last evaluated: 2017-06-22. Review status: criteria provided, single submitter. Criteria: Ambry Variant Classification Scheme 2023. Collection method: clinical testing. Allele origin: germline.

GeneDx
Classification: Benign. Last evaluated: 2016-04-13. Review status: criteria provided, single submitter. Criteria: GeneDx Variant Classification (06012015). Collection method: clinical testing. Allele origin: germline. Affected: yes.
Comment: This variant is considered likely benign or benign based on one or more of the following criteria: it is a conservative change, it occurs at a poorly conserved position in the protein, it is predicted to be benign by multiple in silico algorithms, and/or has population frequency not consistent with disease.

Genetic Services Laboratory, University of Chicago
Classification: Likely benign. Last evaluated: 2015-07-24. Review status: criteria provided, single submitter. Criteria: ACMG Guidelines, 2015. Collection method: clinical testing. Allele origin: germline.

Eurofins Ntd Llc (ga)
Classification: Benign. Last evaluated: 2014-11-13. Review status: criteria provided, single submitter. Criteria: EGL Classification Definitions 2015. Collection method: clinical testing. Allele origin: germline. Observed: 1 variant allele, 1 heterozygote.

Breakthrough Genomics
Classification: Likely benign. Review status: criteria provided, single submitter. Criteria: ACMG Guidelines, 2015. Collection method: not provided. Allele origin: germline. Inheritance: X-linked inheritance. Affected: yes.

Clinical Genetics DNA and cytogenetics Diagnostics Lab, Erasmus MC, Erasmus Medical Center
Classification: Likely benign. Review status: no assertion criteria provided. Collection method: clinical testing. Allele origin: germline. Affected: yes. Study: VKGL Data-share Consensus. Not counted in ClinVar's aggregate classification.

Genome Diagnostics Laboratory, University Medical Center Utrecht
Classification: Likely benign. Review status: no assertion criteria provided. Collection method: clinical testing. Allele origin: germline. Affected: yes. Study: VKGL Data-share Consensus. Not counted in ClinVar's aggregate classification.